The following is an entry in ClinVar:

NM_020812.4(DOCK6):c.4916A>C (p.His1639Pro)

Genes: DOCK6 (dedicator of cytokinesis 6; minus strand), DOCK6-AS1 (DOCK6 antisense RNA 1; plus strand). Cytogenetic location: 19p13.2.
Variant type: single nucleotide variant.
Coding change: c.4916A>C on transcript NM_020812.4 (MANE Select); coding-DNA position 4916, A replaced by C.
Protein change: p.His1639Pro; replaces histidine 1639 with proline.
Molecular consequence: missense variant.
Genome position (GRCh38, 1-based): chr19:11,208,939, T>G on the plus strand (A>C on the coding strand, the complement: DOCK6 is on the minus strand). VCF-style: chr19-11208939-T-G. GRCh37 (hg19) VCF-style: chr19-11319615-T-G.
Other names: c.5021A>C, p.His1674Pro (NM_001367830.1); short protein forms H1639P, H1674P.
Identifiers: ClinVar variation 2649318 (VCV002649318.24), dbSNP rs2512959259, ClinGen allele CA404077648.

ClinVar aggregate classification (germline): Uncertain significance (1 of 4 stars; one submission).

Submission:

CeGaT Center for Human Genetics Tuebingen
Classification: Uncertain significance. Last evaluated: 2023-10-01. Review status: criteria provided, single submitter. Criteria: CeGaT Center For Human Genetics Tuebingen Variant Classification Criteria Version 2. Collection method: clinical testing. Allele origin: germline. Affected: yes. Observed: 1 variant allele.
Comment: DOCK6: PM2, BP4